The following is an entry in ClinVar:

ClinVar aggregate classification (germline): Pathogenic (1 of 4 stars; one submission).

Conditions:
Fanconi anemia (FA). Also called: Fanconi's anemia. Identifiers: Orphanet 84, MedGen C0015625, MeSH D005199, MONDO:0019391.

Submission:

Labcorp Genetics (formerly Invitae), Labcorp
Classification: Pathogenic for Fanconi anemia. Last evaluated: 2023-01-14. Review status: criteria provided, single submitter. Criteria: Invitae Variant Classification Sherloc (09022015). Collection method: clinical testing. Allele origin: germline.
Comment: For these reasons, this variant has been classified as Pathogenic. Algorithms developed to predict the effect of sequence changes on RNA splicing suggest that this variant may disrupt the consensus splice site. This variant has not been reported in the literature in individuals affected with FANCG-related conditions. This variant is not present in population databases (gnomAD no frequency). This sequence change creates a premature translational stop signal (p.Val29Trpfs*7) in the FANCG gene. It is expected to result in an absent or disrupted protein product. Loss-of-function variants in FANCG are known to be pathogenic (PMID: 12552564).

Literature cited by the submitters: PubMed 12552564.

NC_000009.12:g.35079242del

Gene: FANCG (FA complementation group G; minus strand). Cytogenetic location: 9p13.3.
Variant type: Deletion.
Genome position: GRCh38 VCF-style: chr9-35079240-AC-A. GRCh37 (hg19) VCF-style: chr9-35079237-AC-A.
Identifiers: ClinVar variation 2828497 (VCV002828497.3), dbSNP rs2490410600, ClinGen allele CA2739269198.